The following is an entry in ClinVar:

NM_177438.3(DICER1):c.4364A>G (p.Asn1455Ser)

Gene: DICER1 (dicer 1, ribonuclease III; minus strand). Cytogenetic location: 14q32.13.
Variant type: single nucleotide variant.
Coding change: c.4364A>G on transcript NM_177438.3 (MANE Select); coding-DNA position 4364, A replaced by G.
Protein change: p.Asn1455Ser; replaces asparagine 1455 with serine.
Molecular consequence: missense variant. On other transcripts: non-coding transcript variant (6).
Genome position (GRCh38, 1-based): chr14:95,096,556, T>C on the plus strand (A>G on the coding strand, the complement: DICER1 is on the minus strand). VCF-style: chr14-95096556-T-C. GRCh37 (hg19) VCF-style: chr14-95562893-T-C.
Other names: c.4364A>G, p.Asn1455Ser (NM_001195573.1, NM_001271282.3, NM_001291628.2 and 12 more transcripts); c.4082A>G, p.Asn1361Ser (NM_001395686.1); c.3959A>G, p.Asn1320Ser (NM_001395687.1, NM_001395688.1, NM_001395689.1 and 2 more transcripts); c.3797A>G, p.Asn1266Ser (NM_001395691.1); c.2681A>G, p.Asn894Ser (NM_001395697.1); short protein forms N1266S, N1455S, N894S, N1361S, N1320S.
Identifiers: ClinVar variation 3501916 (VCV003501916.3).
Genomic context (GRCh38, chr14:95,096,556, plus strand): 5'-GTGGTTGAAAAAGGAGAAAGAGAGATTTTCTTTACAAAAGCTCCTGACCCCATTAACATA[T>C]TATCTATAAATCTGATATGTTCCTGATCATACTCCAGGAAATCATCTTCATAGTCAGCCT-3'
Protein context (NP_803187.1, residues 1445-1465): YDQEHIRFID[Asn1455Ser]MLMGSGAFVK

ClinVar aggregate classification (germline): Uncertain significance. Review status: criteria provided, multiple submitters, no conflicts (2 of 4 stars). 2 submissions from 2 submitters: Uncertain significance (2). Last evaluated 2024-10-05.

Conditions:
Hereditary cancer-predisposing syndrome. Also called: Hereditary Cancer Syndrome; Hereditary neoplastic syndrome; Neoplastic Syndromes, Hereditary; Tumor predisposition. Identifiers: Orphanet 140162, MedGen C0027672, MeSH D009386, MONDO:0015356.
DICER1-related tumor predisposition. Also called: DICER1-related pleuropulmonary blastoma cancer predisposition syndrome; DICER1 syndrome. Identifiers: Orphanet 284343, MedGen C3839822, MONDO:0100216.

gnomAD v4.1: 3 of 1,613,728 alleles (0.00019%); highest among the groups gnomAD compares: African/African-American, 0.0013%; no homozygotes.

Submissions (2):

Ambry Genetics
Classification: Uncertain significance for Hereditary cancer-predisposing syndrome. Last evaluated: 2024-10-05. Review status: criteria provided, single submitter. Criteria: Ambry Variant Classification Scheme 2023. Collection method: clinical testing. Allele origin: germline.
Comment: The p.N1455S variant (also known as c.4364A>G), located in coding exon 22 of the DICER1 gene, results from an A to G substitution at nucleotide position 4364. The asparagine at codon 1455 is replaced by serine, an amino acid with highly similar properties. This amino acid position is conserved. In addition, this alteration is predicted to be tolerated by in silico analysis. Based on the available evidence, the clinical significance of this variant remains unclear.

Labcorp Genetics (formerly Invitae), Labcorp
Classification: Uncertain significance for DICER1-related tumor predisposition. Last evaluated: 2024-09-22. Review status: criteria provided, single submitter. Criteria: Invitae Variant Classification Sherloc (09022015). Collection method: clinical testing. Allele origin: germline.
Comment: This sequence change replaces asparagine, which is neutral and polar, with serine, which is neutral and polar, at codon 1455 of the DICER1 protein (p.Asn1455Ser). This variant is not present in population databases (gnomAD no frequency). This variant has not been reported in the literature in individuals affected with DICER1-related conditions. An algorithm developed to predict the effect of missense changes on protein structure and function outputs the following: PolyPhen-2: "Benign". The serine amino acid residue is found in multiple mammalian species, which suggests that this missense change does not adversely affect protein function. In summary, the available evidence is currently insufficient to determine the role of this variant in disease. Therefore, it has been classified as a Variant of Uncertain Significance.